The following is an entry in ClinVar:

ClinVar aggregate classification (germline): Uncertain significance (1 of 4 stars; one submission).

Conditions:
Granulomatous disease, chronic, autosomal recessive, cytochrome b-negative. Also called: CGD DUE TO DEFICIENCY OF THE ALPHA SUBUNIT OF CYTOCHROME b; CGD, AUTOSOMAL RECESSIVE CYTOCHROME b-NEGATIVE; CYBA DEFICIENCY; GRANULOMATOUS DISEASE, CHRONIC, AUTOSOMAL RECESSIVE, 4; Chronic granulomatous disease, autosomal, due to deficiency of CYBA. Identifiers: Orphanet 379, MedGen C1856255, MONDO:0009308, OMIM 233690.

Allele frequency attached by ClinVar (database versions not stated): gnomAD exomes 0.00001; TOPMed 0.00001.
gnomAD v4.1: 8 of 1,613,962 alleles (0.0005%); highest among the groups gnomAD compares: Admixed American, 0.012%; no homozygotes.

Submission:

Labcorp Genetics (formerly Invitae), Labcorp
Classification: Uncertain significance for Granulomatous disease, chronic, autosomal recessive, cytochrome b-negative. Last evaluated: 2025-02-10. Review status: criteria provided, single submitter. Criteria: Invitae Variant Classification Sherloc (09022015). Collection method: clinical testing. Allele origin: germline.
Comment: This sequence change replaces valine, which is neutral and non-polar, with methionine, which is neutral and non-polar, at codon 77 of the CYBA protein (p.Val77Met). This variant is present in population databases (no rsID available, gnomAD 0.02%). This variant has not been reported in the literature in individuals affected with CYBA-related conditions. ClinVar contains an entry for this variant (Variation ID: 2146318). An algorithm developed to predict the effect of missense changes on protein structure and function (PolyPhen-2) suggests that this variant is likely to be disruptive. In summary, the available evidence is currently insufficient to determine the role of this variant in disease. Therefore, it has been classified as a Variant of Uncertain Significance.

NM_000101.4(CYBA):c.229G>A (p.Val77Met)

Gene: CYBA (cytochrome b-245 alpha chain; minus strand). Cytogenetic location: 16q24.2.
Variant type: single nucleotide variant.
Coding change: c.229G>A on transcript NM_000101.4 (MANE Select); coding-DNA position 229, G replaced by A.
Protein change: p.Val77Met; replaces valine 77 with methionine.
Molecular consequence: missense variant.
Genome position (GRCh38, 1-based): chr16:88,646,813, C>T on the plus strand (G>A on the coding strand, the complement: CYBA is on the minus strand). VCF-style: chr16-88646813-C-T. GRCh37 (hg19) VCF-style: chr16-88713221-C-T.
Other names: short protein forms V77M.
Identifiers: ClinVar variation 2146318 (VCV002146318.2), dbSNP rs1410568051, ClinGen allele CA397064512.